The following is an entry in ClinVar:

NM_206933.4(USH2A):c.12298T>C (p.Tyr4100His)

Gene: USH2A (usherin; minus strand). Cytogenetic location: 1q41.
Variant type: single nucleotide variant.
Coding change: c.12298T>C on transcript NM_206933.4 (MANE Select); coding-DNA position 12298, T replaced by C.
Protein change: p.Tyr4100His; replaces tyrosine 4100 with histidine.
Molecular consequence: missense variant.
Genome position (GRCh38, 1-based): chr1:215,675,613, A>G on the plus strand (T>C on the coding strand, the complement: USH2A is on the minus strand). VCF-style: chr1-215675613-A-G. GRCh37 (hg19) VCF-style: chr1-215848955-A-G.
Other names: short protein forms Y4100H.
Identifiers: ClinVar variation 3775221 (VCV003775221.1).
Genomic context (GRCh38, chr1:215,675,613, plus strand): 5'-GGAAGAGAAACTGACGATTCAAACCAGAGTACTCCAGGAACCCGTCACTGAAGATGTTGT[A>G]TGTCTACAGAAGGACAGAAGCAAAAGGGATAACTTGCAGCATACAATTTCTTTGTGTAGT-3'
Protein context (NP_996816.3, residues 4090-4110): PMRTNGVIKT[Tyr4100His]NIFSDGFLEY

ClinVar aggregate classification (germline): Uncertain significance (1 of 4 stars; one submission).

Conditions:
Retinitis pigmentosa 39 (RP39). Identifiers: Orphanet 791, MedGen C3151138, MONDO:0013436, OMIM 613809.

gnomAD v4.1: 3 of 1,614,148 alleles (0.00019%); highest among the groups gnomAD compares: East Asian, 0.0045%; no homozygotes.

Submission:

3billion
Classification: Uncertain significance for Retinitis pigmentosa 39. Last evaluated: 2024-02-16. Review status: criteria provided, single submitter. Criteria: ACMG Guidelines, 2015. Collection method: clinical testing. Allele origin: germline. Affected: yes.
Comment: The variant is observed at an extremely low frequency in the gnomAD v2.1.1 dataset (total allele frequency: <0.001%). Predicted Consequence/Location: The majority of the known disease-causing variants of this gene are variants expected to result in premature termination of the protein. In silico tool predictions suggest damaging effect of the variant on gene or gene product [REVEL: 0.74 (>=0.6, sensitivity 0.68 and specificity 0.92)]. A different missense change at the same codon (p.Tyr4100Cys) has been reported to be associated with USH2A related disorder (PMID: 35452909). Therefore, this variant is classified as VUS according to the recommendation of ACMG/AMP guideline.

Literature cited by the submitters: PubMed 35452909.